The following is an entry in ClinVar:

ClinVar aggregate classification (germline): Uncertain significance (1 of 4 stars; one submission).

Allele frequency attached by ClinVar (database versions not stated): TOPMed 0.00002; gnomAD 0.00003; gnomAD exomes 0.00003; ExAC 0.00004.
gnomAD v4.1: 48 of 1,614,092 alleles (0.003%); highest among the groups gnomAD compares: East Asian, 0.0067%; no homozygotes.

Submission:

Labcorp Genetics (formerly Invitae), Labcorp
Classification: Uncertain significance. Last evaluated: 2022-03-01. Review status: criteria provided, single submitter. Criteria: Invitae Variant Classification Sherloc (09022015). Collection method: clinical testing. Allele origin: germline.
Comment: This sequence change replaces serine, which is neutral and polar, with leucine, which is neutral and non-polar, at codon 97 of the ZNF341 protein (p.Ser97Leu). This variant is present in population databases (rs761677624, gnomAD 0.01%). This variant has not been reported in the literature in individuals affected with ZNF341-related conditions. Algorithms developed to predict the effect of missense changes on protein structure and function (SIFT, PolyPhen-2, Align-GVGD) all suggest that this variant is likely to be tolerated. In summary, the available evidence is currently insufficient to determine the role of this variant in disease. Therefore, it has been classified as a Variant of Uncertain Significance.

NM_001282933.2(ZNF341):c.290C>T (p.Ser97Leu)

Gene: ZNF341 (zinc finger protein 341; plus strand). Cytogenetic location: 20q11.22.
Variant type: single nucleotide variant.
Coding change: c.290C>T on transcript NM_001282933.2 (MANE Select); coding-DNA position 290, C replaced by T.
Protein change: p.Ser97Leu; replaces serine 97 with leucine.
Molecular consequence: missense variant. On other transcripts: non-coding transcript variant (1), intron variant (1).
Genome position (GRCh38, 1-based): chr20:33,745,250, C>T. VCF-style: chr20-33745250-C-T. GRCh37 (hg19) VCF-style: chr20-32333056-C-T.
Other names: c.290C>T, p.Ser97Leu (NM_032819.5); c.70-3673C>T (NM_001282935.2); short protein forms S97L.
Identifiers: ClinVar variation 1980441 (VCV001980441.1), dbSNP rs761677624, ClinGen allele CA9819115.